The following is an entry in ClinVar:

ClinVar aggregate classification (germline): Pathogenic (1 of 4 stars; one submission).

Conditions:
Familial cancer of breast. Also called: hereditary breast carcinoma; BREAST CANCER, FAMILIAL; Hereditary breast cancer. Identifiers: Orphanet 227535, MedGen C0346153, MONDO:0016419, OMIM 114480. Disease mechanism: loss of function.

Submission:

Myriad Genetics, Inc.
Classification: Pathogenic for Familial cancer of breast. Last evaluated: 2024-05-23. Review status: criteria provided, single submitter. Criteria: Myriad Autosomal Dominant, Autosomal Recessive and X-Linked Classification Criteria (2023). Collection method: clinical testing. Allele origin: unknown.
Comment: This variant is considered pathogenic. This variant creates a frameshift predicted to result in premature protein truncation.

NM_000051.4(ATM):c.8180_8184dup (p.Gln2729fs)

Genes: ATM (ATM serine/threonine kinase; plus strand), C11orf65 (chromosome 11 open reading frame 65; minus strand). Cytogenetic location: 11q22.3.
Variant type: Duplication.
Coding change: c.8180_8184dup on transcript NM_000051.4 (MANE Select); coding-DNA positions 8180 to 8184, 5 bases duplicated (TCATG; older notation c.8180_8184dupTCATG).
Protein change: p.Gln2729fs; shifts the reading frame from glutamine 2729.
Molecular consequence: frameshift variant. On other transcripts: intron variant (2).
Genome position (GRCh38, 1-based): chr11:108,335,873-108,335,877, TCATG duplicated; duplicating any 5 consecutive bases within chr11:108,335,871-108,335,877 gives the same sequence; the c. name uses the placement nearest the transcript's 3' end. VCF-style (leftmost placement, unchanged base first): chr11-108335870-C-CTGTCA. GRCh37 (hg19) VCF-style: chr11-108206597-C-CTGTCA.
Other names: c.8180_8184dup, p.Gln2729fs (NM_001351834.2); c.641-26804_641-26800dup (NM_001330368.2); c.695-583_695-579dup (NM_001351110.2); short protein forms Q2729fs.
Identifiers: ClinVar variation 3254393 (VCV003254393.1), dbSNP rs2547345896.
Genomic context (GRCh38, chr11:108,335,870, plus strand): 5'-CTGTACTTGTTTATTCATGCTTAATTATTCTGAAGGGCCGTGATGACCTGAGACAAGATG[C>CTGTCA]TGTCATGCAACAGGTCTTCCAGATGTGTAATACATTACTGCAGAGAAACACGGAAACTAG-3'